The following is an entry in ClinVar:

NM_001365951.3(KIF1B):c.1001C>T (p.Ala334Val)

Gene: KIF1B (kinesin family member 1B; plus strand). Cytogenetic location: 1p36.22.
Variant type: single nucleotide variant.
Coding change: c.1001C>T on transcript NM_001365951.3 (MANE Select); coding-DNA position 1001, C replaced by T.
Protein change: p.Ala334Val; replaces alanine 334 with valine.
Molecular consequence: missense variant.
Genome position (GRCh38, 1-based): chr1:10,276,363, C>T. VCF-style: chr1-10276363-C-T. GRCh37 (hg19) VCF-style: chr1-10336421-C-T.
Other names: c.1001C>T, p.Ala334Val (NM_001365952.1); c.983C>T, p.Ala328Val (NM_001365953.1, NM_015074.3, NM_183416.4); short protein forms A334V, A328V.
Identifiers: ClinVar variation 5023165 (VCV005023165.1).
Genomic context (GRCh38, chr1:10,276,363, plus strand): 5'-CATGATTAATCTTTTTAGGTGGCAATTCTCGGACTGCAATGGTTGCTGCTCTGAGCCCCG[C>T]GGATATCAACTACGATGAGACTTTGAGCACTCTGAGGTACTTTCTTTTGATCTCAGTAAC-3'
Protein context (NP_001352880.1, residues 324-344): RTAMVAALSP[Ala334Val]DINYDETLST

ClinVar aggregate classification (germline): Uncertain significance (1 of 4 stars; one submission).

gnomAD v4.1: 1 of 1,613,828 alleles (0.000062%); highest among the groups gnomAD compares: Non-Finnish European, 0.000085%; no homozygotes.

Submission:

Ambry Genetics
Classification: Uncertain significance. Last evaluated: 2026-08-23. Review status: criteria provided, single submitter. Criteria: Ambry Variant Classification Scheme 2023. Collection method: clinical testing. Allele origin: germline.
Comment: The p.A328V variant (also known as c.983C>T), located in coding exon 10 of the KIF1B gene, results from a C to T substitution at nucleotide position 983. The alanine at codon 328 is replaced by valine, an amino acid with similar properties. This amino acid position is conserved. In addition, this alteration is predicted to be deleterious by in silico analysis. Based on the available evidence, the clinical significance of this variant remains unclear.